The following is an entry in ClinVar:

NM_001089.3(ABCA3):c.2605G>T (p.Ala869Ser)

Gene: ABCA3 (ATP binding cassette subfamily A member 3; minus strand). Cytogenetic location: 16p13.3.
Variant type: single nucleotide variant.
Coding change: c.2605G>T on transcript NM_001089.3 (MANE Select); coding-DNA position 2605, G replaced by T.
Protein change: p.Ala869Ser; replaces alanine 869 with serine.
Molecular consequence: missense variant.
Genome position (GRCh38, 1-based): chr16:2,289,529, C>A on the plus strand (G>T on the coding strand, the complement: ABCA3 is on the minus strand). VCF-style: chr16-2289529-C-A. GRCh37 (hg19) VCF-style: chr16-2339530-C-A.
Other names: short protein forms A869S.
Identifiers: ClinVar variation 1433921 (VCV001433921.8), dbSNP rs753548724, ClinGen allele CA394325093.

ClinVar aggregate classification (germline): Uncertain significance (1 of 4 stars; one submission).

Submission:

Labcorp Genetics (formerly Invitae), Labcorp
Classification: Uncertain significance. Last evaluated: 2021-02-08. Review status: criteria provided, single submitter. Criteria: Invitae Variant Classification Sherloc (09022015). Collection method: clinical testing. Allele origin: germline.
Comment: In summary, the available evidence is currently insufficient to determine the role of this variant in disease. Therefore, it has been classified as a Variant of Uncertain Significance. Algorithms developed to predict the effect of sequence changes on RNA splicing suggest that this variant may create or strengthen a splice site, but this prediction has not been confirmed by published transcriptional studies. Algorithms developed to predict the effect of missense changes on protein structure and function (SIFT, PolyPhen-2, Align-GVGD) all suggest that this variant is likely to be tolerated, but these predictions have not been confirmed by published functional studies and their clinical significance is uncertain. This variant has not been reported in the literature in individuals with ABCA3-related conditions. This variant is not present in population databases (ExAC no frequency). This sequence change replaces alanine with serine at codon 869 of the ABCA3 protein (p.Ala869Ser). The alanine residue is moderately conserved and there is a moderate physicochemical difference between alanine and serine.